The following is an entry in ClinVar:

ClinVar aggregate classification (germline): Uncertain significance (1 of 4 stars; one submission).

Conditions:
Joubert syndrome 23 (JBTS23). Identifiers: Orphanet 475, MedGen C4084822, MONDO:0014664, OMIM 616490.
Short-rib thoracic dysplasia 14 with polydactyly (SRTD14). Identifiers: Orphanet 397715, MedGen C4225286, MONDO:0014688, OMIM 616546.

Submission:

Labcorp Genetics (formerly Invitae), Labcorp
Classification: Uncertain significance for Joubert syndrome 23; Short-rib thoracic dysplasia 14 with polydactyly. Last evaluated: 2024-09-04. Review status: criteria provided, single submitter. Criteria: Invitae Variant Classification Sherloc (09022015). Collection method: clinical testing. Allele origin: germline.
Comment: This sequence change replaces proline, which is neutral and non-polar, with serine, which is neutral and polar, at codon 887 of the KIAA0586 protein (p.Pro887Ser). This variant is not present in population databases (gnomAD no frequency). This variant has not been reported in the literature in individuals affected with KIAA0586-related conditions. Invitae Evidence Modeling of protein sequence and biophysical properties (such as structural, functional, and spatial information, amino acid conservation, physicochemical variation, residue mobility, and thermodynamic stability) indicates that this missense variant is not expected to disrupt KIAA0586 protein function with a negative predictive value of 80%. In summary, the available evidence is currently insufficient to determine the role of this variant in disease. Therefore, it has been classified as a Variant of Uncertain Significance.

NM_001329943.3(KIAA0586):c.2500C>T (p.Pro834Ser)

Gene: KIAA0586 (KIAA0586; plus strand). Cytogenetic location: 14q23.1.
Variant type: single nucleotide variant.
Coding change: c.2500C>T on transcript NM_001329943.3 (MANE Select); coding-DNA position 2500, C replaced by T.
Protein change: p.Pro834Ser; replaces proline 834 with serine.
Molecular consequence: missense variant.
Genome position (GRCh38, 1-based): chr14:58,470,670, C>T. VCF-style: chr14-58470670-C-T. GRCh37 (hg19) VCF-style: chr14-58937388-C-T.
Other names: c.2500C>T, p.Pro834Ser (NM_001329947.2, NM_001329944.2, NM_001329946.2); c.2245C>T, p.Pro749Ser (NM_001364700.1, NM_001364701.2, NM_001244191.2 and 1 more transcripts); c.2272C>T, p.Pro758Ser (NM_014749.5); c.2659C>T, p.Pro887Ser (NM_001244189.2); c.2455C>T, p.Pro819Ser (NM_001244190.2); c.2368C>T, p.Pro790Ser (NM_001244192.2); c.2080C>T, p.Pro694Ser (NM_001244193.2); short protein forms P694S, P749S, P758S, P790S, P819S, P834S, P887S.
Identifiers: ClinVar variation 3749309 (VCV003749309.2).
Genomic context (GRCh38, chr14:58,470,670, plus strand): 5'-TAGGTATTACCCAGTGTAGATATTGACAGCATTTCAAATAGTAGTGCTGATGTCCTTTCA[C>T]CTCTGTCTAGCCCCAAAGAAGCATCTCTTCCTCCTGTGCAAACTTGGATAAAGGTATATT-3'
Protein context (NP_001316872.1, residues 824-844): ISNSSADVLS[Pro834Ser]LSSPKEASLP